The following is an entry in ClinVar:

ClinVar aggregate classification (germline): Conflicting classifications of pathogenicity. Review status: criteria provided, conflicting classifications (1 of 4 stars). 2 submissions from 2 submitters: Uncertain significance (1); Likely benign (1). Last evaluated 2016-09-30.

Conditions:
Dilated cardiomyopathy 1G (CMD1G). Identifiers: Orphanet 154, MedGen C1858763, MONDO:0011400, OMIM 604145.
Autosomal recessive limb-girdle muscular dystrophy type 2J (LGMDR10). Also called: MUSCULAR DYSTROPHY, LIMB-GIRDLE, AUTOSOMAL RECESSIVE 10; Limb-girdle muscular dystrophy, type 2J. Identifiers: Orphanet 140922, MedGen C1837342, MONDO:0012127, OMIM 608807.

Allele frequency attached by ClinVar (database versions not stated): gnomAD exomes 0.00001 and 0.00004; gnomAD 0.00003; TOPMed 0.00003; ExAC 0.00002; ESP Exome Variant Server 0.00008.
gnomAD v4.1: 68 of 1,613,772 alleles (0.0042%); highest among the groups gnomAD compares: African/African-American, 0.0067%; no homozygotes.

Submissions (2):

Labcorp Genetics (formerly Invitae), Labcorp
Classification: Uncertain significance for Dilated cardiomyopathy 1G; Autosomal recessive limb-girdle muscular dystrophy type 2J. Last evaluated: 2016-09-30. Review status: criteria provided, single submitter. Criteria: Invitae Variant Classification Sherloc (09022015). Collection method: clinical testing. Allele origin: germline.

GeneDx
Classification: Likely benign. Last evaluated: 2012-11-19. Review status: criteria provided, single submitter. Criteria: GeneDx Variant Classification (06012015). Collection method: clinical testing. Allele origin: germline. Affected: yes.
Comment: This variant is considered likely benign or benign based on one or more of the following criteria: it is a conservative change, it occurs at a poorly conserved position in the protein, it is predicted to be benign by multiple in silico algorithms, and/or has population frequency not consistent with disease.

NM_001267550.2(TTN):c.87632G>A (p.Arg29211His)

Genes: TTN (titin; minus strand), TTN-AS1 (TTN antisense RNA 1; plus strand). Cytogenetic location: 2q31.2.
Variant type: single nucleotide variant.
Coding change: c.87632G>A on transcript NM_001267550.2 (MANE Select); coding-DNA position 87632, G replaced by A.
Protein change: p.Arg29211His; replaces arginine 29211 with histidine.
Molecular consequence: missense variant.
Genome position (GRCh38, 1-based): chr2:178,557,722, C>T on the plus strand (G>A on the coding strand, the complement: TTN is on the minus strand). VCF-style: chr2-178557722-C-T. GRCh37 (hg19) VCF-style: chr2-179422449-C-T.
Other names: p.R27570H:CGC>CAC; c.82709G>A, p.Arg27570His (NM_001256850.1); c.60437G>A, p.Arg20146His (NM_003319.4); c.79928G>A, p.Arg26643His (NM_133378.4); c.60812G>A, p.Arg20271His (NM_133432.3); c.61013G>A, p.Arg20338His (NM_133437.4); short protein forms R27570H, R29211H, R20146H, R20271H, R20338H, R26643H.
Identifiers: ClinVar variation 202334 (VCV000202334.5), dbSNP rs370948914, ClinGen allele CA309120.